The following is an entry in ClinVar:

NM_182961.4(SYNE1):c.16572+12G>A

Gene: SYNE1 (spectrin repeat containing nuclear envelope protein 1; minus strand). Cytogenetic location: 6q25.2.
Variant type: single nucleotide variant.
Coding change: c.16572+12G>A on transcript NM_182961.4 (MANE Select); 12 bases into the intron after coding-DNA position 16572, G replaced by A.
Molecular consequence: intron variant.
Genome position (GRCh38, 1-based): chr6:152,318,069, C>T on the plus strand (G>A on the coding strand, the complement: SYNE1 is on the minus strand). VCF-style: chr6-152318069-C-T. GRCh37 (hg19) VCF-style: chr6-152639204-C-T.
Other names: c.16359+12G>A (NM_033071.5).
Identifiers: ClinVar variation 3339566 (VCV003339566.1).

ClinVar aggregate classification (germline): Likely benign (1 of 4 stars; one submission).

gnomAD v4.1: 55 of 1,614,020 alleles (0.0034%); highest among the groups gnomAD compares: Non-Finnish European, 0.0037%; no homozygotes.

Submission:

Women's Health and Genetics/Laboratory Corporation of America, LabCorp
Classification: Likely benign. Last evaluated: 2024-06-12. Review status: criteria provided, single submitter. Criteria: LabCorp Variant Classification Summary - May 2015. Collection method: clinical testing. Allele origin: germline.
Comment: Variant summary: SYNE1 c.16359+12G>A alters a non-conserved nucleotide located at a position not widely known to affect splicing. Consensus agreement among computation tools predict no significant impact on normal splicing. However, these predictions have yet to be confirmed by functional studies. The variant allele was found at a frequency of 2.4e-05 in 250620 control chromosomes, predominantly at a frequency of 4.4e-05 within the Non-Finnish European subpopulation in the gnomAD database. The available data on variant occurrences in the general population are insufficient to allow any conclusion about variant significance. To our knowledge, no occurrence of c.16359+12G>A in individuals affected with SYNE1-Related Disorders and no experimental evidence demonstrating its impact on protein function have been reported. No submitters have cited clinical-significance assessments for this variant to ClinVar. Based on the evidence outlined above, the variant was classified as likely benign.